The following is an entry in ClinVar:

ClinVar aggregate classification (germline): Uncertain significance (1 of 4 stars; one submission).

gnomAD v4.1: 1 of 1,612,672 alleles (0.000062%); highest among the groups gnomAD compares: South Asian, 0.0011%; no homozygotes.

Submission:

Labcorp Genetics (formerly Invitae), Labcorp
Classification: Uncertain significance. Last evaluated: 2022-06-28. Review status: criteria provided, single submitter. Criteria: Invitae Variant Classification Sherloc (09022015). Collection method: clinical testing. Allele origin: germline.
Comment: This sequence change replaces serine, which is neutral and polar, with isoleucine, which is neutral and non-polar, at codon 3333 of the HSPG2 protein (p.Ser3333Ile). In summary, the available evidence is currently insufficient to determine the role of this variant in disease. Therefore, it has been classified as a Variant of Uncertain Significance. Algorithms developed to predict the effect of missense changes on protein structure and function are either unavailable or do not agree on the potential impact of this missense change (SIFT: "Deleterious"; PolyPhen-2: "Probably Damaging"; Align-GVGD: "Class C0"). This variant has not been reported in the literature in individuals affected with HSPG2-related conditions. This variant is not present in population databases (gnomAD no frequency).

NM_005529.7(HSPG2):c.9998G>T (p.Ser3333Ile)

Gene: HSPG2 (heparan sulfate proteoglycan 2; minus strand). Cytogenetic location: 1p36.12.
Variant type: single nucleotide variant.
Coding change: c.9998G>T on transcript NM_005529.7 (MANE Select); coding-DNA position 9998, G replaced by T.
Protein change: p.Ser3333Ile; replaces serine 3333 with isoleucine.
Molecular consequence: missense variant.
Genome position (GRCh38, 1-based): chr1:21,838,977, C>A on the plus strand (G>T on the coding strand, the complement: HSPG2 is on the minus strand). VCF-style: chr1-21838977-C-A. GRCh37 (hg19) VCF-style: chr1-22165470-C-A.
Other names: c.10001G>T, p.Ser3334Ile (NM_001291860.2); short protein forms S3334I, S3333I.
Identifiers: ClinVar variation 1391663 (VCV001391663.6), dbSNP rs2152702834, ClinGen allele CA338911989.
Genomic context (GRCh38, chr1:21,838,977, plus strand): 5'-TCAAAGTGCAGCAGCTCGTTCCTGGCGGTCGCCCTCCCAGGAAGGCTGCTGCCCACGCGG[C>A]TCCACTGGAAGGTGAGTGGGGGTGTCCCGTGAGCCAGGCACTGGAGCTGCACCGTCTCCC-3'
Protein context (NP_005520.4, residues 3323-3343): HGTPPLTFQW[Ser3333Ile]RVGSSLPGRA